The following is an entry in ClinVar:

NM_001033855.3(DCLRE1C):c.1773G>A (p.Met591Ile)

Gene: DCLRE1C (DNA cross-link repair 1C; minus strand). Cytogenetic location: 10p13.
Variant type: single nucleotide variant.
Coding change: c.1773G>A on transcript NM_001033855.3 (MANE Select); coding-DNA position 1773, G replaced by A.
Protein change: p.Met591Ile; replaces methionine 591 with isoleucine.
Molecular consequence: missense variant. On other transcripts: non-coding transcript variant (4).
Genome position (GRCh38, 1-based): chr10:14,908,714, C>T on the plus strand (G>A on the coding strand, the complement: DCLRE1C is on the minus strand). VCF-style: chr10-14908714-C-T. GRCh37 (hg19) VCF-style: chr10-14950713-C-T.
Other names: c.1413G>A, p.Met471Ile (NM_001033857.3, NM_001033858.3, NM_001289077.2 and 2 more transcripts); c.1428G>A, p.Met476Ile (NM_001289076.2, NM_001289078.2, NM_001350966.2 and 1 more transcripts); c.1773G>A, p.Met591Ile (NM_001350965.2); short protein forms M476I, M471I, M591I.
Identifiers: ClinVar variation 1921305 (VCV001921305.3), dbSNP rs764464249, ClinGen allele CA5416411.

ClinVar aggregate classification (germline): Uncertain significance (1 of 4 stars; one submission).

Conditions:
Severe combined immunodeficiency due to DCLRE1C deficiency (RS-SCID). Also called: SCID, AUTOSOMAL RECESSIVE, T CELL-NEGATIVE, B CELL-NEGATIVE, NK CELL-POSITIVE, WITH SENSITIVITY TO IONIZING RADIATION. Identifiers: Orphanet 275, MedGen C1865371, MONDO:0011225, OMIM 602450.

Allele frequency attached by ClinVar (database versions not stated): gnomAD exomes below 0.00001; ExAC 0.00001.
gnomAD v4.1: 2 of 1,614,182 alleles (0.00012%); highest among the groups gnomAD compares: East Asian, 0.0045%; no homozygotes.

Submission:

Labcorp Genetics (formerly Invitae), Labcorp
Classification: Uncertain significance for Athabaskan severe combined immunodeficiency. Last evaluated: 2023-12-11. Review status: criteria provided, single submitter. Criteria: Invitae Variant Classification Sherloc (09022015). Collection method: clinical testing. Allele origin: germline.
Comment: This sequence change replaces methionine, which is neutral and non-polar, with isoleucine, which is neutral and non-polar, at codon 591 of the DCLRE1C protein (p.Met591Ile). This variant is present in population databases (rs764464249, gnomAD 0.01%). This variant has not been reported in the literature in individuals affected with DCLRE1C-related conditions. ClinVar contains an entry for this variant (Variation ID: 1921305). Algorithms developed to predict the effect of missense changes on protein structure and function output the following: SIFT: "Not Available"; PolyPhen-2: "Benign"; Align-GVGD: "Not Available". The isoleucine amino acid residue is found in multiple mammalian species, which suggests that this missense change does not adversely affect protein function. In summary, the available evidence is currently insufficient to determine the role of this variant in disease. Therefore, it has been classified as a Variant of Uncertain Significance.